The following is an entry in ClinVar:

NM_001382.4(DPAGT1):c.1210C>T (p.Leu404Phe)

Gene: DPAGT1 (dolichyl-phosphate N-acetylglucosaminephosphotransferase 1; minus strand). Cytogenetic location: 11q23.3.
Variant type: single nucleotide variant.
Coding change: c.1210C>T on transcript NM_001382.4 (MANE Select); coding-DNA position 1210, C replaced by T.
Protein change: p.Leu404Phe; replaces leucine 404 with phenylalanine.
Molecular consequence: missense variant.
Genome position (GRCh38, 1-based): chr11:119,097,015, G>A on the plus strand (C>T on the coding strand, the complement: DPAGT1 is on the minus strand). VCF-style: chr11-119097015-G-A. GRCh37 (hg19) VCF-style: chr11-118967725-G-A.
Other names: short protein forms L404F.
Identifiers: ClinVar variation 1489823 (VCV001489823.8), dbSNP rs1272156856, ClinGen allele CA382907331.

ClinVar aggregate classification (germline): Uncertain significance (1 of 4 stars; one submission).

Conditions:
DPAGT1-congenital disorder of glycosylation. Also called: DPAGT1-CDG; CDG Ij; CONGENITAL DISORDER OF GLYCOSYLATION, TYPE Ij. Identifiers: Orphanet 86309, MedGen C2931004, MONDO:0011964, OMIM 608093.
Congenital myasthenic syndrome 13 (CMS13). Also called: Myasthenic syndrome, congenital, 13, with tubular aggregates; Myasthenic syndrome, congenital, with tubular aggregates 2. Identifiers: Orphanet 353327, Orphanet 590, MedGen C3553645, MONDO:0013883, OMIM 614750.

Allele frequency attached by ClinVar (database versions not stated): gnomAD exomes 0.00001.

Submission:

Labcorp Genetics (formerly Invitae), Labcorp
Classification: Uncertain significance for Congenital myasthenic syndrome 13; DPAGT1-congenital disorder of glycosylation. Last evaluated: 2022-03-18. Review status: criteria provided, single submitter. Criteria: Invitae Variant Classification Sherloc (09022015). Collection method: clinical testing. Allele origin: germline.
Comment: This sequence change replaces leucine, which is neutral and non-polar, with phenylalanine, which is neutral and non-polar, at codon 404 of the DPAGT1 protein (p.Leu404Phe). This variant is present in population databases (no rsID available, gnomAD 0.0009%). This variant has not been reported in the literature in individuals affected with DPAGT1-related conditions. Algorithms developed to predict the effect of missense changes on protein structure and function (SIFT, PolyPhen-2, Align-GVGD) all suggest that this variant is likely to be tolerated. In summary, the available evidence is currently insufficient to determine the role of this variant in disease. Therefore, it has been classified as a Variant of Uncertain Significance.